The following is an entry in ClinVar:

NM_000199.5(SGSH):c.1052C>T (p.Ala351Val)

Gene: SGSH (N-sulfoglucosamine sulfohydrolase; minus strand). Cytogenetic location: 17q25.3.
Variant type: single nucleotide variant.
Coding change: c.1052C>T on transcript NM_000199.5 (MANE Select); coding-DNA position 1052, C replaced by T.
Protein change: p.Ala351Val; replaces alanine 351 with valine.
Molecular consequence: missense variant. On other transcripts: 3 prime UTR variant (2), non-coding transcript variant (1).
Genome position (GRCh38, 1-based): chr17:80,210,909, G>A on the plus strand (C>T on the coding strand, the complement: SGSH is on the minus strand). VCF-style: chr17-80210909-G-A. GRCh37 (hg19) VCF-style: chr17-78184708-G-A.
Other names: c.*139C>T (NM_001352921.3); c.*102C>T (NM_001352922.2); c.1052C>T (NM_000199.3); short protein forms A351V.
Identifiers: ClinVar variation 1466501 (VCV001466501.9), dbSNP rs139075692, ClinGen allele CA294891027.

ClinVar aggregate classification (germline): Uncertain significance. Review status: criteria provided, multiple submitters, no conflicts (2 of 4 stars). 3 submissions from 3 submitters: Uncertain significance (3). Last evaluated 2025-12-09.

Conditions:
Mucopolysaccharidosis, MPS-III-A (MPS3A). Also called: HEPARAN SULFATE SULFATASE DEFICIENCY; SANFILIPPO SYNDROME A; SULFAMIDASE DEFICIENCY; MPS III A; MPS IIIA (Sanfilippo Syndrome Type A); Mucopolysaccharidosis type IIIA (Sanfilippo A). Identifiers: Orphanet 581, Orphanet 79269, MedGen C0086647, MONDO:0009655, OMIM 252900.
Inborn genetic diseases. Identifiers: MedGen C0950123, MeSH D030342.

Allele frequency attached by ClinVar (database versions not stated): gnomAD exomes below 0.00001 and 0.00001; TOPMed 0.00002; gnomAD 0.00001; ESP Exome Variant Server 0.00008.

Submissions (3):

Ambry Genetics
Classification: Uncertain significance for Inborn genetic diseases. Last evaluated: 2025-12-09. Review status: criteria provided, single submitter. Criteria: Ambry Variant Classification Scheme 2023. Collection method: clinical testing. Allele origin: germline.

Labcorp Genetics (formerly Invitae), Labcorp
Classification: Uncertain significance for Mucopolysaccharidosis, MPS-III-A. Last evaluated: 2022-10-18. Review status: criteria provided, single submitter. Criteria: Invitae Variant Classification Sherloc (09022015). Collection method: clinical testing. Allele origin: germline.
Comment: This sequence change replaces alanine, which is neutral and non-polar, with valine, which is neutral and non-polar, at codon 351 of the SGSH protein (p.Ala351Val). This variant is present in population databases (rs139075692, gnomAD 0.004%). This variant has not been reported in the literature in individuals affected with SGSH-related conditions. ClinVar contains an entry for this variant (Variation ID: 1466501). Algorithms developed to predict the effect of missense changes on protein structure and function output the following: SIFT: "Tolerated"; PolyPhen-2: "Benign"; Align-GVGD: "Class C0". The valine amino acid residue is found in multiple mammalian species, which suggests that this missense change does not adversely affect protein function. In summary, the available evidence is currently insufficient to determine the role of this variant in disease. Therefore, it has been classified as a Variant of Uncertain Significance.

Fulgent Genetics
Classification: Uncertain significance for Mucopolysaccharidosis, MPS-III-A. Last evaluated: 2021-07-26. Review status: criteria provided, single submitter. Criteria: ACMG Guidelines, 2015. Collection method: clinical testing. Allele origin: unknown.